The following is an entry in ClinVar:

NM_001069.3(TUBB2A):c.638G>A (p.Arg213His)

Gene: TUBB2A (tubulin beta 2A class IIa; minus strand). Cytogenetic location: 6p25.2.
Variant type: single nucleotide variant.
Coding change: c.638G>A on transcript NM_001069.3 (MANE Select); coding-DNA position 638, G replaced by A.
Protein change: p.Arg213His; replaces arginine 213 with histidine.
Molecular consequence: missense variant.
Genome position (GRCh38, 1-based): chr6:3,154,563, C>T on the plus strand (G>A on the coding strand, the complement: TUBB2A is on the minus strand). VCF-style: chr6-3154563-C-T. GRCh37 (hg19) VCF-style: chr6-3154797-C-T.
Other names: c.383G>A, p.Arg128His (NM_001310315.2); short protein forms R128H, R213H.
Identifiers: ClinVar variation 1211970 (VCV001211970.3), dbSNP rs2113785440, ClinGen allele CA362592285.

ClinVar aggregate classification (germline): Uncertain significance (1 of 4 stars; one submission).

Submission:

GeneDx
Classification: Uncertain significance. Last evaluated: 2019-11-05. Review status: criteria provided, single submitter. Criteria: GeneDx Variant Classification Process June 2021. Collection method: clinical testing. Allele origin: germline. Affected: yes.
Comment: Has not been previously published as pathogenic or benign to our knowledge; Not observed in large population cohorts (Lek et al., 2016); In silico analysis, which includes protein predictors and evolutionary conservation, supports a deleterious effect